The following is an entry in ClinVar:

NC_000012.11:g.(?_32760871)_(32761049_?)del

Gene: FGD4 (FYVE, RhoGEF and PH domain containing 4; plus strand). Cytogenetic location: 12p11.21.
Variant type: Deletion.
Identifiers: ClinVar variation 3244341 (VCV003244341.1).

ClinVar aggregate classification (germline): Pathogenic (1 of 4 stars; one submission).

Conditions:
Charcot-Marie-Tooth disease type 4. Also called: Charcot-Marie-Tooth, Type 4; Charcot-Marie-Tooth disease, type IV. Identifiers: Orphanet 64749, MedGen C4082197, MONDO:0018995.

Submission:

Labcorp Genetics (formerly Invitae), Labcorp
Classification: Pathogenic for Charcot-Marie-Tooth disease type 4. Last evaluated: 2023-10-16. Review status: criteria provided, single submitter. Criteria: Invitae Variant Classification Sherloc (09022015). Collection method: clinical testing. Allele origin: unknown.
Comment: This variant is a gross deletion of the genomic region encompassing exon(s) 8 of the FGD4 gene. This deletion is out-of-frame, and is expected to create a premature termination codon and result in an absent or disrupted protein product. Loss-of-function variants in FGD4 are known to be pathogenic (PMID: 17564972). This variant has not been reported in the literature in individuals affected with FGD4-related conditions. For these reasons, this variant has been classified as Pathogenic.

Literature cited by the submitters: PubMed 17564972.